The following is an entry in ClinVar:

ClinVar aggregate classification (germline): Uncertain significance (1 of 4 stars; one submission).

Conditions:
Ayme-Gripp syndrome. Also called: Aymé-Gripp Syndrome. Identifiers: MedGen C1832812, MONDO:0010992, OMIM 601088.

Submission:

Baylor Genetics
Classification: Uncertain significance for Ayme-Gripp syndrome. Last evaluated: 2020-05-05. Review status: criteria provided, single submitter. Criteria: ACMG Guidelines, 2015. Collection method: clinical testing. Allele origin: unknown. Affected: yes.
Comment: This variant was determined to be of uncertain significance according to ACMG Guidelines, 2015 [PMID:25741868].

NM_005360.5(MAF):c.60A>T (p.Glu20Asp)

Gene: MAF (MAF bZIP transcription factor; minus strand). Cytogenetic location: 16q23.2.
Variant type: single nucleotide variant.
Coding change: c.60A>T on transcript NM_005360.5 (MANE Select); coding-DNA position 60, A replaced by T.
Protein change: p.Glu20Asp; replaces glutamic acid 20 with aspartic acid.
Molecular consequence: missense variant.
Genome position (GRCh38, 1-based): chr16:79,599,843, T>A on the plus strand (A>T on the coding strand, the complement: MAF is on the minus strand). VCF-style: chr16-79599843-T-A. GRCh37 (hg19) VCF-style: chr16-79633740-T-A.
Other names: c.60A>T, p.Glu20Asp (NM_001031804.3); short protein forms E20D.
Identifiers: ClinVar variation 1028885 (VCV001028885.1), dbSNP rs1913894901, ClinGen allele CA396536780.